The following is an entry in ClinVar:

NM_207122.2(EXT2):c.1182G>A (p.Trp394Ter)

Gene: EXT2 (exostosin glycosyltransferase 2; plus strand). Cytogenetic location: 11p11.2.
Variant type: single nucleotide variant.
Coding change: c.1182G>A on transcript NM_207122.2 (MANE Select); coding-DNA position 1182, G replaced by A.
Protein change: p.Trp394Ter; replaces tryptophan 394 with a stop codon.
Molecular consequence: nonsense. On other transcripts: intron variant (1).
Genome position (GRCh38, 1-based): chr11:44,171,619, G>A. VCF-style: chr11-44171619-G-A. GRCh37 (hg19) VCF-style: chr11-44193169-G-A.
Other names: c.1281G>A, p.Trp427Ter (NM_000401.3); c.1182G>A, p.Trp394Ter (NM_001389628.1, NM_001389630.1); c.1267-55G>A (NM_001178083.3); short protein forms W394*, W427*.
Identifiers: ClinVar variation 449480 (VCV000449480.4), dbSNP rs1555012835, ClinGen allele CA380175045.
Genomic context (GRCh38, chr11:44,171,619, plus strand): 5'-TTTCCCACTCTGTCTCGCTTGCTCACTTAAAACAGCATTATTTTCTTTATAGGCCCGGTG[G>A]TTCTGGGAAGCGTACTTCCAGTCAATTAAAGCCATTGCCCTGGCCACCCTGCAGATTATC-3'

ClinVar aggregate classification (germline): Pathogenic (1 of 4 stars; one submission).

Submission:

GeneDx
Classification: Pathogenic. Last evaluated: 2022-06-20. Review status: criteria provided, single submitter. Criteria: GeneDx Variant Classification Process June 2021. Collection method: clinical testing. Allele origin: germline. Affected: yes.
Comment: Nonsense variant predicted to result in protein truncation or nonsense mediated decay in a gene for which loss of function is a known mechanism of disease; Not observed at significant frequency in large population cohorts (gnomAD); This variant is associated with the following publications: (PMID: 25230886, 30730578, 29529714)